The following is an entry in ClinVar:

NM_000388.4(CASR):c.2546T>C (p.Leu849Pro)

Gene: CASR (calcium sensing receptor; plus strand). Cytogenetic location: 3q21.1.
Variant type: single nucleotide variant.
Coding change: c.2546T>C on transcript NM_000388.4 (MANE Select); coding-DNA position 2546, T replaced by C.
Protein change: p.Leu849Pro; replaces leucine 849 with proline.
Molecular consequence: missense variant.
Genome position (GRCh38, 1-based): chr3:122,284,500, T>C. VCF-style: chr3-122284500-T-C. GRCh37 (hg19) VCF-style: chr3-122003347-T-C.
Other names: c.2576T>C, p.Leu859Pro (NM_001178065.2); short protein forms L849P, L859P.
Identifiers: ClinVar variation 943560 (VCV000943560.10), dbSNP rs2074940343, ClinGen allele CA354160250.

ClinVar aggregate classification (germline): Uncertain significance (1 of 4 stars; one submission).

Conditions:
Familial hypocalciuric hypercalcemia (FHH). Also called: Familial benign hypercalcemia. Identifiers: Orphanet 405, MedGen C1809471, MONDO:0018458.
Autosomal dominant hypocalcemia 1 (HYPOC1). Also called: HYPOCALCEMIA, FAMILIAL. Identifiers: MedGen C3715128, MONDO:0011013, OMIM 601198.

Submission:

Labcorp Genetics (formerly Invitae), Labcorp
Classification: Uncertain significance for Familial hypocalciuric hypercalcemia; Autosomal dominant hypocalcemia 1. Last evaluated: 2022-03-15. Review status: criteria provided, single submitter. Criteria: Invitae Variant Classification Sherloc (09022015). Collection method: clinical testing. Allele origin: germline.
Comment: In summary, the available evidence is currently insufficient to determine the role of this variant in disease. Therefore, it has been classified as a Variant of Uncertain Significance. Experimental studies have shown that this missense change affects CASR function (PMID: 18796518, 19389809). Algorithms developed to predict the effect of missense changes on protein structure and function are either unavailable or do not agree on the potential impact of this missense change (SIFT: "Deleterious"; PolyPhen-2: "Probably Damaging"; Align-GVGD: "Class C0"). ClinVar contains an entry for this variant (Variation ID: 943560). This missense change has been observed in individual(s) with hypocalciuric hypercalcaemia (PMID: 18796518, 21521328). This variant is not present in population databases (gnomAD no frequency). This sequence change replaces leucine, which is neutral and non-polar, with proline, which is neutral and non-polar, at codon 849 of the CASR protein (p.Leu849Pro).

Literature cited by the submitters: PubMed 18796518; PubMed 19389809; PubMed 21521328.